The following is an entry in ClinVar:

NM_139318.5(KCNH5):c.1429A>G (p.Asn477Asp)

Gene: KCNH5 (potassium voltage-gated channel subfamily H member 5; minus strand). Cytogenetic location: 14q23.2.
Variant type: single nucleotide variant.
Coding change: c.1429A>G on transcript NM_139318.5 (MANE Select); coding-DNA position 1429, A replaced by G.
Protein change: p.Asn477Asp; replaces asparagine 477 with aspartic acid.
Molecular consequence: missense variant.
Genome position (GRCh38, 1-based): chr14:62,849,793, T>C on the plus strand (A>G on the coding strand, the complement: KCNH5 is on the minus strand). VCF-style: chr14-62849793-T-C. GRCh37 (hg19) VCF-style: chr14-63316511-T-C.
Other names: c.1429A>G, p.Asn477Asp (NM_172375.3); short protein forms N477D.
Identifiers: ClinVar variation 3636102 (VCV003636102.6).

ClinVar aggregate classification (germline): Uncertain significance. Review status: criteria provided, multiple submitters, no conflicts (2 of 4 stars). 2 submissions from 2 submitters: Uncertain significance (2). Last evaluated 2026-02-01.

Conditions:
Early-infantile DEE. Also called: Ohtahara syndrome; Early infantile epileptic encephalopathy; Early infantile epileptic encephalopathy with suppression bursts. Identifiers: Orphanet 1934, MedGen C0393706, MONDO:0800491.

gnomAD v4.1: 2 of 1,613,906 alleles (0.00012%); highest among the groups gnomAD compares: Non-Finnish European, 0.00017%; no homozygotes.

Submissions (2):

CeGaT Center for Human Genetics Tuebingen
Classification: Uncertain significance. Last evaluated: 2026-02-01. Review status: criteria provided, single submitter. Criteria: CeGaT Center For Human Genetics Tuebingen Variant Classification Criteria Version 2. Collection method: clinical testing. Allele origin: germline. Affected: yes. Observed: 1 variant allele.
Comment: KCNH5: PP3

Labcorp Genetics (formerly Invitae), Labcorp
Classification: Uncertain significance for Early-infantile DEE. Last evaluated: 2025-12-21. Review status: criteria provided, single submitter. Criteria: Invitae Variant Classification Sherloc (09022015). Collection method: clinical testing. Allele origin: germline.
Comment: This sequence change replaces asparagine, which is neutral and polar, with aspartic acid, which is acidic and polar, at codon 477 of the KCNH5 protein (p.Asn477Asp). This variant is present in population databases (no rsID available, gnomAD 0.0009%). This variant has not been reported in the literature in individuals affected with KCNH5-related conditions. ClinVar contains an entry for this variant (Variation ID: 3636102). Invitae Evidence Modeling of protein sequence and biophysical properties (such as structural, functional, and spatial information, amino acid conservation, physicochemical variation, residue mobility, and thermodynamic stability) indicates that this missense variant is not expected to disrupt KCNH5 protein function with a negative predictive value of 95%. In summary, the available evidence is currently insufficient to determine the role of this variant in disease. Therefore, it has been classified as a Variant of Uncertain Significance.